The following is an entry in ClinVar:

NM_004329.3(BMPR1A):c.597T>C (p.Phe199=)

Gene: BMPR1A (bone morphogenetic protein receptor type 1A; plus strand). Cytogenetic location: 10q23.2.
Variant type: single nucleotide variant.
Coding change: c.597T>C on transcript NM_004329.3 (MANE Select); coding-DNA position 597, T replaced by C.
Protein change: p.Phe199=; no amino-acid change (phenylalanine 199 retained).
Molecular consequence: synonymous variant. On other transcripts: non-coding transcript variant (3), intron variant (1).
Genome position (GRCh38, 1-based): chr10:86,912,306, T>C. VCF-style: chr10-86912306-T-C. GRCh37 (hg19) VCF-style: chr10-88672063-T-C.
Other names: c.672T>C, p.Phe224= (NM_001406559.1); c.645T>C, p.Phe215= (NM_001406560.1); c.597T>C, p.Phe199= (NM_001406561.1, NM_001406562.1, NM_001406563.1 and 20 more transcripts); c.513T>C, p.Phe171= (NM_001406584.1, NM_001406585.1, NM_001406586.1 and 2 more transcripts); c.334-4828T>C (NM_001406589.1).
Identifiers: ClinVar variation 3378460 (VCV003378460.1).

ClinVar aggregate classification (germline): Benign (1 of 4 stars; one submission).

Conditions:
Juvenile polyposis syndrome (JPS). Identifiers: Orphanet 2929, MedGen C0345893, MONDO:0017380, OMIM 174900.

Submission:

Myriad Genetics, Inc.
Classification: Benign for Juvenile polyposis syndrome. Last evaluated: 2024-08-01. Review status: criteria provided, single submitter. Criteria: Myriad Autosomal Dominant, Autosomal Recessive and X-Linked Classification Criteria (2023). Collection method: clinical testing. Allele origin: unknown.
Comment: This variant is considered benign. This variant is a silent/synonymous amino acid change and it is not expected to impact splicing.